The following is an entry in ClinVar:

NM_001082538.3(TCTN1):c.473-20_473-19del

Gene: TCTN1 (tectonic family member 1; plus strand). Cytogenetic location: 12q24.11.
Variant type: Deletion.
Coding change: c.473-20_473-19del on transcript NM_001082538.3 (MANE Select); 20 bases into the intron before coding-DNA position 473 through 19 bases into the intron before coding-DNA position 473, 2 bases deleted (CT; older notation c.473-20_473-19delCT).
Molecular consequence: intron variant.
Genome position (GRCh38, 1-based): chr12:110,628,747-110,628,748, CT deleted. VCF-style (leftmost placement, unchanged base first): chr12-110628746-ACT-A. GRCh37 (hg19) VCF-style: chr12-111066551-ACT-A.
Other names: c.305-20_305-19del (NM_001173975.3, NM_001319682.3); c.293-20_293-19del (NM_001173976.2); c.-62-20_-62-19del (NM_001319681.2); c.473-20_473-19del (NM_024549.6, NM_001082537.3, NM_001319680.2).
Identifiers: ClinVar variation 449853 (VCV000449853.8), dbSNP rs762957362, ClinGen allele CA6786593.
Genomic context (GRCh38, chr12:110,628,746, plus strand): 5'-TTTCCAAAACCTTTATATAGGTCATACATATTATACATATATTTTATACCGATTTAAAAT[ACT>A]GTTTTTTTTAAAAAACAGATAAACCTGCATTATCCTTTATTAATCCAGAAGTACCTGATG-3'

ClinVar aggregate classification (germline): Conflicting classifications of pathogenicity. Review status: criteria provided, conflicting classifications (1 of 4 stars). 2 submissions from 2 submitters: Uncertain significance (1); Likely benign (1). Last evaluated 2025-08-10.

Conditions:
Meckel-Gruber syndrome. Also called: DYSENCEPHALIA SPLANCHNOCYSTICA; GRUBER SYNDROME; Dysencephalia splachnocystica. Identifiers: Orphanet 564, MedGen C0265215, MONDO:0018921.
Joubert syndrome. Also called: CEREBELLOPARENCHYMAL DISORDER IV; JOUBERT-BOLTSHAUSER SYNDROME; Familial aplasia of the vermis. Identifiers: Orphanet 475, MedGen C5979921, MONDO:0018772.

Allele frequency attached by ClinVar (database versions not stated): gnomAD 0.00003 and 0.00004; TOPMed 0.00003; ExAC 0.00004; gnomAD exomes 0.00004.

Submissions (2):

Labcorp Genetics (formerly Invitae), Labcorp
Classification: Likely benign for Joubert syndrome; Meckel-Gruber syndrome. Last evaluated: 2025-08-10. Review status: criteria provided, single submitter. Criteria: Invitae Variant Classification Sherloc (09022015). Collection method: clinical testing. Allele origin: germline.

GeneDx
Classification: Uncertain significance. Last evaluated: 2017-02-24. Review status: criteria provided, single submitter. Criteria: GeneDx Variant Classification (06012015). Collection method: clinical testing. Allele origin: germline. Affected: yes.
Comment: A variant of uncertain significance has been identified in the TCTN1 gene. The c.473-20_473-19delCT variant has not been published as a pathogenic variant, nor has it been reported as a benign variant to our knowledge. The c.473-20_473-19delCT variant is observed in 1/7002 (0.01%) alleles from individuals of African background (Lek et al., 2016; 1000 Genomes Consortium et al., 2015; Exome Variant Server). In-silico splice prediction models predict that c.473-20_473-19delCT damages or destroys the natural splice acceptor site of intron 20, which may lead to abnormal gene splicing. However, in the absence of RNA/functional studies, the actual effect of this sequence change in this individual is unknown. Based on the currently available information, it is unclear whether this variant is a pathogenic variant or a rare benign variant.